The following is an entry in ClinVar:

ClinVar aggregate classification (germline): Pathogenic. Review status: criteria provided, multiple submitters, no conflicts (2 of 4 stars). 2 submissions from 2 submitters: Pathogenic (2). Last evaluated 2023-07-16.

Conditions:
Peroxisome biogenesis disorder 11A (Zellweger). Also called: Peroxisome biogenesis disorder 11A. Identifiers: Orphanet 912, MedGen C3554000, MONDO:0013949, OMIM 614883.
Peroxisome biogenesis disorder 11B (PBD11B). Identifiers: Orphanet 44, MedGen C3554001, MONDO:0013950, OMIM 614885.

Allele frequency attached by ClinVar (database versions not stated): gnomAD exomes below 0.00001.
gnomAD v4.1: 1 of 1,614,216 alleles (0.000062%); highest among the groups gnomAD compares: Non-Finnish European, 0.000085%; no homozygotes.

Submissions (2):

Labcorp Genetics (formerly Invitae), Labcorp
Classification: Pathogenic for Peroxisome biogenesis disorder 11A (Zellweger). Last evaluated: 2023-07-16. Review status: criteria provided, single submitter. Criteria: Invitae Variant Classification Sherloc (09022015). Collection method: clinical testing. Allele origin: germline.
Comment: This variant has not been reported in the literature in individuals affected with PEX13-related conditions. For these reasons, this variant has been classified as Pathogenic. ClinVar contains an entry for this variant (Variation ID: 1411346). This variant is not present in population databases (gnomAD no frequency). This sequence change creates a premature translational stop signal (p.Glu123*) in the PEX13 gene. It is expected to result in an absent or disrupted protein product. Loss-of-function variants in PEX13 are known to be pathogenic (PMID: 10332040, 21031596).

Institute for Medical Genetics and Human Genetics, Charité - Universitätsmedizin Berlin
Classification: Pathogenic for Peroxisome biogenesis disorder 11B. Last evaluated: 2022-09-22. Review status: criteria provided, single submitter. Criteria: ACMG Guidelines, 2015. Collection method: clinical testing. Allele origin: germline. Inheritance: Autosomal recessive inheritance. Affected: yes. Observed: 1 compound heterozygote.

Literature cited by the submitters: PubMed 10332040 (cited by Labcorp Genetics (formerly Invitae), Labcorp); PubMed 21031596 (cited by Labcorp Genetics (formerly Invitae), Labcorp).

NM_002618.4(PEX13):c.367G>T (p.Glu123Ter)

Gene: PEX13 (peroxisomal biogenesis factor 13; plus strand). Cytogenetic location: 2p15.
Variant type: single nucleotide variant.
Coding change: c.367G>T on transcript NM_002618.4 (MANE Select); coding-DNA position 367, G replaced by T.
Protein change: p.Glu123Ter; replaces glutamic acid 123 with a stop codon.
Molecular consequence: nonsense.
Genome position (GRCh38, 1-based): chr2:61,031,693, G>T. VCF-style: chr2-61031693-G-T. GRCh37 (hg19) VCF-style: chr2-61258828-G-T.
Other names: short protein forms E123*.
Identifiers: ClinVar variation 1411346 (VCV001411346.8), dbSNP rs2104803395, ClinGen allele CA346942303.